The following is an entry in ClinVar:

ClinVar aggregate classification (germline): Uncertain significance (1 of 4 stars; one submission).

Conditions:
Cardiovascular phenotype. Identifiers: MedGen CN230736.

gnomAD v4.1: 4 of 1,602,344 alleles (0.00025%); highest among the groups gnomAD compares: East Asian, 0.009%; no homozygotes.

Submission:

Ambry Genetics
Classification: Uncertain significance for Cardiovascular phenotype. Last evaluated: 2024-02-17. Review status: criteria provided, single submitter. Criteria: Ambry Variant Classification Scheme 2023. Collection method: clinical testing. Allele origin: germline.
Comment: The p.R354P variant (also known as c.1061G>C), located in coding exon 7 of the LMF1 gene, results from a G to C substitution at nucleotide position 1061. The arginine at codon 354 is replaced by proline, an amino acid with dissimilar properties. This amino acid position is conserved. In addition, this alteration is predicted to be tolerated by in silico analysis. Based on the available evidence, the clinical significance of this alteration remains unclear.

NM_022773.4(LMF1):c.1061G>C (p.Arg354Pro)

Gene: LMF1 (lipase maturation factor 1; minus strand). Cytogenetic location: 16p13.3.
Variant type: single nucleotide variant.
Coding change: c.1061G>C on transcript NM_022773.4 (MANE Select); coding-DNA position 1061, G replaced by C.
Protein change: p.Arg354Pro; replaces arginine 354 with proline.
Molecular consequence: missense variant. On other transcripts: non-coding transcript variant (1).
Genome position (GRCh38, 1-based): chr16:871,178, C>G on the plus strand (G>C on the coding strand, the complement: LMF1 is on the minus strand). VCF-style: chr16-871178-C-G. GRCh37 (hg19) VCF-style: chr16-921178-C-G.
Other names: c.410G>C, p.Arg137Pro (NM_001352017.2, NM_001352021.2); c.662G>C, p.Arg221Pro (NM_001352018.2); c.734G>C, p.Arg245Pro (NM_001352019.2); c.1061G>C, p.Arg354Pro (NM_001352020.1); short protein forms R137P, R221P, R245P, R354P.
Identifiers: ClinVar variation 3227798 (VCV003227798.1), dbSNP rs138461953, ClinGen allele CA7797229.